The following is an entry in ClinVar:

ClinVar aggregate classification (germline): Uncertain significance. Review status: criteria provided, multiple submitters, no conflicts (2 of 4 stars). 2 submissions from 2 submitters: Uncertain significance (2). Last evaluated 2025-07-01.

Conditions:
Mitochondrial complex IV deficiency, nuclear type 12. Also called: Mitochondrial complex 4 deficiency, nuclear type 12. Identifiers: MedGen C5436695, MONDO:0033646, OMIM 619055.

Allele frequency attached by ClinVar (database versions not stated): TOPMed 0.00004; gnomAD exomes 0.00005 and 0.00006; ExAC 0.00006.
gnomAD v4.1: 74 of 1,537,116 alleles (0.0048%); highest among the groups gnomAD compares: Non-Finnish European, 0.0063%; no homozygotes.

Submissions (3):

Labcorp Genetics (formerly Invitae), Labcorp
Classification: Uncertain significance. Last evaluated: 2025-07-01. Review status: criteria provided, single submitter. Criteria: Invitae Variant Classification Sherloc (09022015). Collection method: clinical testing. Allele origin: germline.
Comment: This sequence change falls in intron 3 of the PET100 gene. It does not directly change the encoded amino acid sequence of the PET100 protein. It affects a nucleotide within the consensus splice site. This variant is present in population databases (rs756326147, gnomAD 0.02%). This variant has not been reported in the literature in individuals affected with PET100-related conditions. ClinVar contains an entry for this variant (Variation ID: 1436166). Variants that disrupt the consensus splice site are a relatively common cause of aberrant splicing (PMID: 17576681, 9536098). Algorithms developed to predict the effect of sequence changes on RNA splicing suggest that this variant may disrupt the consensus splice site. In summary, the available evidence is currently insufficient to determine the role of this variant in disease. Therefore, it has been classified as a Variant of Uncertain Significance.

Fulgent Genetics
Classification: Uncertain significance for Mitochondrial complex IV deficiency, nuclear type 12. Last evaluated: 2022-02-03. Review status: criteria provided, single submitter. Criteria: ACMG Guidelines, 2015. Collection method: clinical testing. Allele origin: unknown.

Dr. Peter K. Rogan Lab, Western University
No classification provided (evidence only). Condition: Familial cancer of breast. Review status: no classification provided. Collection method: in vitro. Allele origin: not applicable. Functional consequence: skipped exon, retained intron. Not counted in ClinVar's aggregate classification.

Literature cited by the submitters: PubMed 17576681 (cited by Labcorp Genetics (formerly Invitae), Labcorp); PubMed 9536098 (cited by Labcorp Genetics (formerly Invitae), Labcorp).

NM_001171155.2(PET100):c.138+3A>T

Genes: STXBP2 (syntaxin binding protein 2; plus strand), PET100 (PET100 cytochrome c oxidase chaperone; plus strand). Cytogenetic location: 19p13.2.
Variant type: single nucleotide variant.
Coding change: c.138+3A>T on transcript NM_001171155.2 (MANE Select); 3 bases into the intron after coding-DNA position 138, A replaced by T.
Molecular consequence: intron variant.
Genome position (GRCh38, 1-based): chr19:7,630,849, A>T. VCF-style: chr19-7630849-A-T. GRCh37 (hg19) VCF-style: chr19-7695735-A-T.
Identifiers: ClinVar variation 1436166 (VCV001436166.7), dbSNP rs756326147, ClinGen allele CA9142849.